The following is an entry in ClinVar:

NM_000059.4(BRCA2):c.4261T>C (p.Phe1421Leu)

Gene: BRCA2 (BRCA2 DNA repair associated; plus strand). Cytogenetic location: 13q13.1.
Variant type: single nucleotide variant.
Coding change: c.4261T>C on transcript NM_000059.4 (MANE Select); coding-DNA position 4261, T replaced by C.
Protein change: p.Phe1421Leu; replaces phenylalanine 1421 with leucine.
Molecular consequence: missense variant.
Genome position (GRCh38, 1-based): chr13:32,338,616, T>C. VCF-style: chr13-32338616-T-C. GRCh37 (hg19) VCF-style: chr13-32912753-T-C.
Other names: short protein forms F1421L.
Identifiers: ClinVar variation 236866 (VCV000236866.14), dbSNP rs878853582, ClinGen allele CA10583103.

ClinVar aggregate classification (germline): Conflicting classifications of pathogenicity. Review status: criteria provided, conflicting classifications (1 of 4 stars). 4 submissions from 4 submitters: Uncertain significance (3); Likely benign (1). Last evaluated 2025-09-09.

Conditions:
Hereditary cancer-predisposing syndrome. Also called: Hereditary neoplastic syndrome; Hereditary Cancer Syndrome; Neoplastic Syndromes, Hereditary; Tumor predisposition. Identifiers: Orphanet 140162, MedGen C0027672, MeSH D009386, MONDO:0015356.
Hereditary breast ovarian cancer syndrome. Also called: BRCA1- and BRCA2-Associated Hereditary Breast and Ovarian Cancer; Hereditary breast and ovarian cancer syndrome; Hereditary breast and ovarian cancer; Hereditary breast and ovarian cancer syndrome (HBOC); Breast and ovarian cancer; Hereditary breast and/or ovarian cancer syndrome. Identifiers: Orphanet 145, MedGen C0677776, MeSH D061325, MONDO:0003582. Disease mechanism: loss of function.

Allele frequency attached by ClinVar (database versions not stated): gnomAD exomes 0.00001.
gnomAD v4.1: 9 of 1,596,982 alleles (0.00056%); highest among the groups gnomAD compares: Non-Finnish European, 0.00068%; no homozygotes.

Submissions (4):

Color Diagnostics, LLC DBA Color Health
Classification: Uncertain significance for Hereditary cancer-predisposing syndrome. Last evaluated: 2025-09-09. Review status: criteria provided, single submitter. Criteria: ACMG Guidelines, 2015. Collection method: clinical testing. Allele origin: germline.
Comment: This missense variant replaces phenylalanine with leucine at codon 1421 of the BRCA2 protein. Computational prediction suggests that this variant may not impact protein structure and function. To our knowledge, functional studies have not been reported for this variant. This variant has been detected in a breast cancer case-control meta-analysis in 1/60466 cases and 2/53461 unaffected individuals (PMID: 33471991Leiden Open Variation Database DB-ID BRCA2_008182). This variant has not been identified in the general population by the Genome Aggregation Database (gnomAD). The available evidence is insufficient to determine the role of this variant in disease conclusively. Therefore, this variant is classified as a Variant of Uncertain Significance.

Ambry Genetics
Classification: Uncertain significance for Hereditary cancer-predisposing syndrome. Last evaluated: 2023-12-14. Review status: criteria provided, single submitter. Criteria: Ambry Variant Classification Scheme 2023. Collection method: clinical testing. Allele origin: germline.
Comment: The p.F1421L variant (also known as c.4261T>C), located in coding exon 10 of the BRCA2 gene, results from a T to C substitution at nucleotide position 4261. The phenylalanine at codon 1421 is replaced by leucine, an amino acid with highly similar properties. This amino acid position is poorly conserved in available vertebrate species. In addition, this alteration is predicted to be tolerated by in silico analysis. Since supporting evidence is limited at this time, the clinical significance of this alteration remains unclear.

University of Washington Department of Laboratory Medicine, University of Washington
Classification: Likely benign for Hereditary cancer-predisposing syndrome. Last evaluated: 2023-03-23. Review status: criteria provided, single submitter. Criteria: Dines et al. (Genet Med. 2020). Collection method: curation. Allele origin: germline.
Comment: Missense variant in a coldspot region where missense variants are very unlikely to be pathogenic (PMID:31911673).

BRCA2 exon 11 coldspot. Reclassification based on statistical prior probability.

Labcorp Genetics (formerly Invitae), Labcorp
Classification: Uncertain significance for Hereditary breast ovarian cancer syndrome. Last evaluated: 2016-01-01. Review status: criteria provided, single submitter. Criteria: Invitae Variant Classification Sherloc (09022015). Collection method: clinical testing. Allele origin: germline.
Comment: This sequence change replaces phenylalanine with leucine at codon 1421 of the BRCA2 protein (p.Phe1421Leu). The phenylalanine residue is weakly conserved and there is a small physicochemical difference between phenylalanine and leucine. The leucine amino acid residue is found in multiple mammalian species, suggesting that this missense change does not adversely affect protein function. In addition, algorithms developed to predict the effect of missense changes on protein structure and function (SIFT, PolyPhen-2, Align-GVGD) all suggest that this variant is likely to be tolerated, but these predictions have not been confirmed by published functional studies. In summary, this is a novel missense change that is not predicted to affect protein function or cause disease. However the evidence is insufficient at this time to prove that conclusively. It has been classified as a Variant of Uncertain Significance. This variant is not present in population databases (ExAC no frequency) and has not been reported in the literature in individuals with a BRCA2-related disease.

Literature cited by the submitters: PubMed 33471991 (cited by Color Diagnostics, LLC DBA Color Health).